The following is an entry in ClinVar:

NM_001282531.3(ADNP):c.1108C>G (p.Leu370Val)

Gene: ADNP (activity dependent neuroprotector homeobox; minus strand). Cytogenetic location: 20q13.13.
Variant type: single nucleotide variant.
Coding change: c.1108C>G on transcript NM_001282531.3 (MANE Select); coding-DNA position 1108, C replaced by G.
Protein change: p.Leu370Val; replaces leucine 370 with valine.
Molecular consequence: missense variant.
Genome position (GRCh38, 1-based): chr20:50,893,606, G>C on the plus strand (C>G on the coding strand, the complement: ADNP is on the minus strand). VCF-style: chr20-50893606-G-C. GRCh37 (hg19) VCF-style: chr20-49510143-G-C.
Other names: c.1108C>G, p.Leu370Val (NM_001282532.2, NM_001347511.2, NM_015339.5 and 1 more transcripts); short protein forms L370V.
Identifiers: ClinVar variation 1794254 (VCV001794254.9), dbSNP rs749861265, ClinGen allele CA9908781.

ClinVar aggregate classification (germline): Conflicting classifications of pathogenicity. Review status: criteria provided, conflicting classifications (1 of 4 stars). 3 submissions from 3 submitters: Uncertain significance (2); Likely benign (1). Last evaluated 2025-11-03.

Conditions:
ADNP-related multiple congenital anomalies - intellectual disability - autism spectrum disorder. Also called: Helsmoortel-Van der Aa Syndrome; ADNP-Related Helsmoortel-Van der Aa Syndrome. Identifiers: Orphanet 404448, MedGen C4014538, MONDO:0014379, OMIM 615873. Disease mechanism: loss of function.
Inborn genetic diseases. Identifiers: MedGen C0950123, MeSH D030342.

Allele frequency attached by ClinVar (database versions not stated): gnomAD 0.00001; ExAC 0.00002; TOPMed 0.00002.
gnomAD v4.1: 21 of 1,614,068 alleles (0.0013%); highest among the groups gnomAD compares: Middle Eastern, 0.016%; no homozygotes.

Submissions (3):

Labcorp Genetics (formerly Invitae), Labcorp
Classification: Likely benign. Last evaluated: 2025-11-03. Review status: criteria provided, single submitter. Criteria: Invitae Variant Classification Sherloc (09022015). Collection method: clinical testing. Allele origin: germline.

Revvity Omics, Revvity
Classification: Uncertain significance for ADNP-related multiple congenital anomalies - intellectual disability - autism spectrum disorder. Last evaluated: 2023-10-30. Review status: criteria provided, single submitter. Criteria: ACMG Guidelines, 2015. Collection method: clinical testing. Allele origin: germline.

Ambry Genetics
Classification: Uncertain significance for Inborn genetic diseases. Last evaluated: 2018-06-26. Review status: criteria provided, single submitter. Criteria: Ambry Variant Classification Scheme 2023. Collection method: clinical testing. Allele origin: germline.
Comment: The p.L370V variant (also known as c.1108C>G), located in coding exon 3 of the ADNP gene, results from a C to G substitution at nucleotide position 1108. The leucine at codon 370 is replaced by valine, an amino acid with highly similar properties. This amino acid position is well conserved in available vertebrate species. In addition, this alteration is predicted to be tolerated by in silico analysis. Since supporting evidence is limited at this time, the clinical significance of this alteration remains unclear.